The following is an entry in ClinVar:

ClinVar aggregate classification (germline): Uncertain significance. Review status: criteria provided, multiple submitters, no conflicts (2 of 4 stars). 2 submissions from 2 submitters: Uncertain significance (2). Last evaluated 2025-06-09.

Conditions:
Inborn genetic diseases. Identifiers: MedGen C0950123, MeSH D030342.
Glucose-6-phosphate transport defect (GSD1B). Also called: Glycogen Storage Disease Type Ib; GSD Ib. Identifiers: Orphanet 364, Orphanet 79259, MedGen C0268146, MONDO:0009288, OMIM 232220.

Submissions (2):

Labcorp Genetics (formerly Invitae), Labcorp
Classification: Uncertain significance for Glucose-6-phosphate transport defect. Last evaluated: 2025-06-09. Review status: criteria provided, single submitter. Criteria: Invitae Variant Classification Sherloc (09022015). Collection method: clinical testing. Allele origin: germline.
Comment: This sequence change replaces phenylalanine, which is neutral and non-polar, with alanine, which is neutral and non-polar, at codon 411 of the SLC37A4 protein (p.Phe411Ala). This variant is present in population databases (no rsID available, gnomAD 0.0008%). This variant has not been reported in the literature in individuals affected with SLC37A4-related conditions. ClinVar contains an entry for this variant (Variation ID: 2414008). Experimental studies and prediction algorithms are not available or were not evaluated, and the functional significance of this variant is currently unknown. In summary, the available evidence is currently insufficient to determine the role of this variant in disease. Therefore, it has been classified as a Variant of Uncertain Significance.

Ambry Genetics
Classification: Uncertain significance for Inborn genetic diseases. Last evaluated: 2024-08-20. Review status: criteria provided, single submitter. Criteria: Ambry Variant Classification Scheme 2023. Collection method: clinical testing. Allele origin: germline.
Comment: Based on insufficient or conflicting evidence, the clinical significance of this alteration remains unclear.

NM_001164277.2(SLC37A4):c.1231_1232delinsGC (p.Phe411Ala)

Gene: SLC37A4 (solute carrier family 37 member 4; minus strand). Cytogenetic location: 11q23.3.
Variant type: Indel.
Coding change: c.1231_1232delinsGC on transcript NM_001164277.2 (MANE Select); coding-DNA positions 1231 to 1232, TT replaced by GC.
Protein change: p.Phe411Ala; replaces phenylalanine 411 with alanine.
Molecular consequence: missense variant.
Genome position (GRCh38, 1-based): chr11:119,024,968-119,024,969, AA replaced by GC on the plus strand (TT replaced by GC on the coding strand, the reverse complement: SLC37A4 is on the minus strand). VCF-style: chr11-119024968-AA-GC. GRCh37 (hg19) VCF-style: chr11-118895678-AA-GC.
Other names: c.1297_1298delinsGC, p.Phe433Ala (NM_001164278.2); c.1012_1013delinsGC, p.Phe338Ala (NM_001164279.2); c.1231_1232delinsGC, p.Phe411Ala (NM_001164280.2, NM_001467.6); short protein forms F338A, F411A, F433A.
Identifiers: ClinVar variation 2414008 (VCV002414008.6), dbSNP rs2497009858, ClinGen allele CA2580083616.